The following is an entry in ClinVar:

ClinVar aggregate classification (germline): Uncertain significance (1 of 4 stars; one submission).

Conditions:
Inborn genetic diseases. Identifiers: MedGen C0950123, MeSH D030342.

Submission:

Ambry Genetics
Classification: Uncertain significance for Inborn genetic diseases. Last evaluated: 2025-08-11. Review status: criteria provided, single submitter. Criteria: Ambry Variant Classification Scheme 2023. Collection method: clinical testing. Allele origin: germline.
Comment: The p.N307T variant (also known as c.920A>C), located in coding exon 1 of the CEBPA gene, results from an A to C substitution at nucleotide position 920. The asparagine at codon 307 is replaced by threonine, an amino acid with similar properties. This amino acid position is conserved. In addition, this alteration is predicted to be tolerated by in silico analysis. Based on the available evidence, the clinical significance of this variant remains unclear.

NM_004364.5(CEBPA):c.920A>C (p.Asn307Thr)

Gene: CEBPA (CCAAT enhancer binding protein alpha; minus strand). Cytogenetic location: 19q13.11.
Variant type: single nucleotide variant.
Coding change: c.920A>C on transcript NM_004364.5 (MANE Select); coding-DNA position 920, A replaced by C.
Protein change: p.Asn307Thr; replaces asparagine 307 with threonine.
Molecular consequence: missense variant.
Genome position (GRCh38, 1-based): chr19:33,301,495, T>G on the plus strand (A>C on the coding strand, the complement: CEBPA is on the minus strand). VCF-style: chr19-33301495-T-G. GRCh37 (hg19) VCF-style: chr19-33792401-T-G.
Other names: c.563A>C, p.Asn188Thr (NM_001285829.2); c.1025A>C, p.Asn342Thr (NM_001287424.2); c.878A>C, p.Asn293Thr (NM_001287435.2); short protein forms N342T, N188T, N293T, N307T.
Identifiers: ClinVar variation 4225046 (VCV004225046.1).